The following is an entry in ClinVar:

NM_005359.6(SMAD4):c.569C>G (p.Ala190Gly)

Gene: SMAD4 (SMAD family member 4; plus strand). Cytogenetic location: 18q21.2.
Variant type: single nucleotide variant.
Coding change: c.569C>G on transcript NM_005359.6 (MANE Select); coding-DNA position 569, C replaced by G.
Protein change: p.Ala190Gly; replaces alanine 190 with glycine.
Molecular consequence: missense variant. On other transcripts: non-coding transcript variant (2).
Genome position (GRCh38, 1-based): chr18:51,054,895, C>G. VCF-style: chr18-51054895-C-G. GRCh37 (hg19) VCF-style: chr18-48581265-C-G.
Other names: c.569C>G, p.Ala190Gly (NM_001407041.1, NM_001407042.1, NM_001407043.1); short protein forms A190G.
Identifiers: ClinVar variation 2706881 (VCV002706881.3), dbSNP rs1909799016, ClinGen allele CA402461002.

ClinVar aggregate classification (germline): Uncertain significance (1 of 4 stars; one submission).

Conditions:
Juvenile polyposis syndrome (JPS). Identifiers: Orphanet 2929, MedGen C0345893, MONDO:0017380, OMIM 174900.

Submission:

Labcorp Genetics (formerly Invitae), Labcorp
Classification: Uncertain significance for Juvenile polyposis syndrome. Last evaluated: 2024-01-01. Review status: criteria provided, single submitter. Criteria: Invitae Variant Classification Sherloc (09022015). Collection method: clinical testing. Allele origin: germline.
Comment: This sequence change replaces alanine, which is neutral and non-polar, with glycine, which is neutral and non-polar, at codon 190 of the SMAD4 protein (p.Ala190Gly). This variant is not present in population databases (gnomAD no frequency). This variant has not been reported in the literature in individuals affected with SMAD4-related conditions. Advanced modeling of protein sequence and biophysical properties (such as structural, functional, and spatial information, amino acid conservation, physicochemical variation, residue mobility, and thermodynamic stability) performed at Invitae indicates that this missense variant is not expected to disrupt SMAD4 protein function with a negative predictive value of 95%. In summary, the available evidence is currently insufficient to determine the role of this variant in disease. Therefore, it has been classified as a Variant of Uncertain Significance.